The following is an entry in ClinVar:

NM_001308093.3(GATA4):c.1000+105G>C

Gene: GATA4 (GATA binding protein 4). Cytogenetic location: 8p23.1.
Variant type: single nucleotide variant.
Coding change: c.1000+105G>C on transcript NM_001308093.3 (MANE Select); 105 bases into the intron after coding-DNA position 1000, G replaced by C.
Molecular consequence: intron variant.
Genome position (GRCh38, 1-based): chr8:11,755,238, G>C. VCF-style: chr8-11755238-G-C. GRCh37 (hg19) VCF-style: chr8-11612747-G-C.
Other names: c.379+105G>C (NM_001308094.2, NM_001374273.1); c.997+105G>C (NM_002052.5); c.253+105G>C (NM_001374274.1).
Identifiers: ClinVar variation 3050433 (VCV003050433.3), dbSNP rs544579237, ClinGen allele CA172119379.

ClinVar aggregate classification (germline): Likely benign. Review status: criteria provided, single submitter (1 of 4 stars). 2 submissions from 2 submitters: Likely benign (1). 1 of the submissions does not count toward it. Last evaluated 2024-10-15.

Conditions:
GATA4-related disorder. Also called: GATA4-related condition. Identifiers: MedGen CN860321.

Allele frequency attached by ClinVar (database versions not stated): TOPMed 0.00009; gnomAD exomes 0.00010; gnomAD 0.00013; 1000 Genomes Project 30x 0.00047; 1000 Genomes Project 0.00060.
gnomAD v4.1: 101 of 860,734 alleles (0.012%); highest among the groups gnomAD compares: Middle Eastern, 0.32%; no homozygotes.

Submissions (2):

Blueprint Genetics
Classification: Likely benign. Last evaluated: 2024-10-15. Review status: criteria provided, single submitter. Criteria: ACMG Guidelines, 2015. Collection method: clinical testing. Allele origin: germline.

PreventionGenetics, part of Exact Sciences
Classification: Likely benign for GATA4-related condition. Last evaluated: 2019-07-22. Review status: no assertion criteria provided. Collection method: clinical testing. Allele origin: germline. Not counted in ClinVar's aggregate classification.
Comment: This variant is classified as likely benign based on ACMG/AMP sequence variant interpretation guidelines (Richards et al. 2015 PMID: 25741868, with internal and published modifications).